The following is an entry in ClinVar:

ClinVar aggregate classification (germline): Uncertain significance (1 of 4 stars; one submission).

Conditions:
Inborn genetic diseases. Identifiers: MedGen C0950123, MeSH D030342.

Submission:

Ambry Genetics
Classification: Uncertain significance for Inborn genetic diseases. Last evaluated: 2023-07-06. Review status: criteria provided, single submitter. Criteria: Ambry Variant Classification Scheme 2023. Collection method: clinical testing. Allele origin: germline.
Comment: The p.S547R variant (also known as c.1639A>C), located in coding exon 17 of the ERCC2 gene, results from an A to C substitution at nucleotide position 1639. The serine at codon 547 is replaced by arginine, an amino acid with dissimilar properties. This amino acid position is conserved. In addition, the in silico prediction for this alteration is inconclusive. Since supporting evidence is limited at this time, the clinical significance of this alteration remains unclear.

NM_000400.4(ERCC2):c.1639A>C (p.Ser547Arg)

Gene: ERCC2 (ERCC excision repair 2, TFIIH core complex helicase subunit; minus strand). Cytogenetic location: 19q13.32.
Variant type: single nucleotide variant.
Coding change: c.1639A>C on transcript NM_000400.4 (MANE Select); coding-DNA position 1639, A replaced by C.
Protein change: p.Ser547Arg; replaces serine 547 with arginine.
Molecular consequence: missense variant.
Genome position (GRCh38, 1-based): chr19:45,354,756, T>G on the plus strand (A>C on the coding strand, the complement: ERCC2 is on the minus strand). VCF-style: chr19-45354756-T-G. GRCh37 (hg19) VCF-style: chr19-45858014-T-G.
Other names: short protein forms S547R.
Identifiers: ClinVar variation 2586777 (VCV002586777.2), dbSNP rs747319235, ClinGen allele CA406365238.